The following is an entry in ClinVar:

NM_000492.4(CFTR):c.1136A>T (p.Glu379Val)

Gene: CFTR (CF transmembrane conductance regulator; plus strand). Cytogenetic location: 7q31.2.
Variant type: single nucleotide variant.
Coding change: c.1136A>T on transcript NM_000492.4 (MANE Select); coding-DNA position 1136, A replaced by T.
Protein change: p.Glu379Val; replaces glutamic acid 379 with valine.
Molecular consequence: missense variant.
Genome position (GRCh38, 1-based): chr7:117,542,035, A>T. VCF-style: chr7-117542035-A-T. GRCh37 (hg19) VCF-style: chr7-117182089-A-T.
Other names: short protein forms E379V.
Identifiers: ClinVar variation 4689345 (VCV004689345.1).

ClinVar aggregate classification (germline): Uncertain significance (1 of 4 stars; one submission).

Submission:

Women's Health and Genetics/Laboratory Corporation of America, LabCorp
Classification: Uncertain significance. Last evaluated: 2026-01-16. Review status: criteria provided, single submitter. Criteria: LabCorp Variant Classification Summary - May 2015. Collection method: clinical testing. Allele origin: germline.
Comment: Variant summary: CFTR c.1136A>T (p.Glu379Val) results in a non-conservative amino acid change in the encoded protein sequence. Algorithms developed to predict the effect of missense changes on protein structure and function all suggest that this variant is likely to be disruptive. The variant was absent in 250716 control chromosomes. The available data on variant occurrences in the general population are insufficient to allow any conclusion about variant significance. To our knowledge, no occurrence of c.1136A>T in individuals affected with CFTR-related conditions and no experimental evidence demonstrating its impact on protein function have been reported. No submitters have cited clinical-significance assessments for this variant to ClinVar. Based on the evidence outlined above, the variant was classified as uncertain significance.